The following is an entry in ClinVar:

ClinVar aggregate classification (germline): Benign (0 of 4 stars; one submission).

Conditions:
CENPP-related disorder. Also called: CENPP-related condition.

Submission:

PreventionGenetics, part of Exact Sciences
Classification: Benign for CENPP-related condition. Last evaluated: 2019-10-31. Review status: no assertion criteria provided. Collection method: clinical testing. Allele origin: germline.
Comment: This variant is classified as benign based on ACMG/AMP sequence variant interpretation guidelines (Richards et al. 2015 PMID: 25741868, with internal and published modifications).

NM_001012267.3(CENPP):c.564+94884TCA[18]

Genes: ASPN (asporin; minus strand), CENPP (centromere protein P; plus strand). Cytogenetic location: 9q22.31.
Variant type: Microsatellite.
Coding change: c.564+94884TCA[18] on transcript NM_001012267.3 (MANE Select); 18 copies in a row of the 3-base unit TCA starting at c.564+94884.
Molecular consequence: intron variant. On other transcripts: inframe insertion (2).
Genome position: GRCh38 VCF-style: chr9-92474742-C-CTCATCATCATCA. GRCh37 (hg19) VCF-style: chr9-95237024-C-CTCATCATCATCA.
Other names: c.114TGA[18], p.Asp50_Glu51insAspAspAspAspAsp (NM_001193335.3, NM_017680.6); c.228+94884TCA[18] (NM_001286969.1).
Identifiers: ClinVar variation 3033526 (VCV003033526.2), dbSNP rs3078372, ClinGen allele CA466341623.
Genomic context (GRCh38, chr9:92,474,742, plus strand): 5'-AAACAGATCAAATGGAAAAAAATGGCTTCTTGGCTCTCTTGTTGGAAAAAGAGAGTTGTC[C>CTCATCATCATCA]TCATCATCATCATCATCATCATCATCATCATCATCATCATCATCTGTGTCTTCCATATCC-3'